The following is an entry in ClinVar:

ClinVar aggregate classification (germline): Uncertain significance (1 of 4 stars; one submission).

Conditions:
Muscular dystrophy-dystroglycanopathy (congenital with brain and eye anomalies), type A, 7. Also called: WALKER-WARBURG SYNDROME OR MUSCLE-EYE-BRAIN DISEASE, ISPD-RELATED; Congenital muscular dystrophy-dystroglycanopathy with brain and eye anomalies, type A7. Identifiers: Orphanet 899, MedGen C3553330, MONDO:0013835, OMIM 614643.
Autosomal recessive limb-girdle muscular dystrophy type 2U. Also called: Muscular dystrophy-dystroglycanopathy (limb-girdle), type c, 7; MUSCULAR DYSTROPHY, LIMB-GIRDLE, TYPE 2U. Identifiers: Orphanet 352479, MedGen C5190987, MONDO:0014474, OMIM 616052.

gnomAD v4.1: 2 of 1,594,552 alleles (0.00013%); highest among the groups gnomAD compares: Non-Finnish European, 0.00017%; no homozygotes.

Submission:

Labcorp Genetics (formerly Invitae), Labcorp
Classification: Uncertain significance for Muscular dystrophy-dystroglycanopathy (congenital with brain and eye anomalies), type A, 7; Autosomal recessive limb-girdle muscular dystrophy type 2U. Last evaluated: 2024-08-29. Review status: criteria provided, single submitter. Criteria: Invitae Variant Classification Sherloc (09022015). Collection method: clinical testing. Allele origin: germline.
Comment: This sequence change replaces methionine, which is neutral and non-polar, with isoleucine, which is neutral and non-polar, at codon 388 of the ISPD protein (p.Met388Ile). This variant is not present in population databases (gnomAD no frequency). This variant has not been reported in the literature in individuals affected with ISPD-related conditions. An algorithm developed to predict the effect of missense changes on protein structure and function (PolyPhen-2) suggests that this variant is likely to be tolerated. In summary, the available evidence is currently insufficient to determine the role of this variant in disease. Therefore, it has been classified as a Variant of Uncertain Significance.

NM_001101426.4(CRPPA):c.1164G>T (p.Met388Ile)

Genes: CRPPA (CDP-L-ribitol pyrophosphorylase A; minus strand), CRPPA-AS1 (CRPPA antisense RNA 1; plus strand). Cytogenetic location: 7p21.2.
Variant type: single nucleotide variant.
Coding change: c.1164G>T on transcript NM_001101426.4 (MANE Select); coding-DNA position 1164, G replaced by T.
Protein change: p.Met388Ile; replaces methionine 388 with isoleucine.
Molecular consequence: missense variant. On other transcripts: non-coding transcript variant (1).
Genome position (GRCh38, 1-based): chr7:16,216,153, C>A on the plus strand (G>T on the coding strand, the complement: CRPPA is on the minus strand). VCF-style: chr7-16216153-C-A. GRCh37 (hg19) VCF-style: chr7-16255778-C-A.
Other names: c.1014G>T, p.Met338Ile (NM_001101417.4); c.1059G>T, p.Met353Ile (NM_001368197.1); short protein forms M338I, M353I, M388I.
Identifiers: ClinVar variation 3762147 (VCV003762147.2).